The following is an entry in ClinVar:

NM_015141.4(GPD1L):c.293A>G (p.Gln98Arg)

Gene: GPD1L (glycerol-3-phosphate dehydrogenase 1 like; plus strand). Cytogenetic location: 3p22.3.
Variant type: single nucleotide variant.
Coding change: c.293A>G on transcript NM_015141.4 (MANE Select); coding-DNA position 293, A replaced by G.
Protein change: p.Gln98Arg; replaces glutamine 98 with arginine.
Molecular consequence: missense variant.
Genome position (GRCh38, 1-based): chr3:32,138,654, A>G. VCF-style: chr3-32138654-A-G. GRCh37 (hg19) VCF-style: chr3-32180146-A-G.
Other names: short protein forms Q98R.
Identifiers: ClinVar variation 642597 (VCV000642597.5), dbSNP rs745770005, ClinGen allele CA351974258.

ClinVar aggregate classification (germline): Uncertain significance (1 of 4 stars; one submission).

Conditions:
Brugada syndrome. Also called: Sudden unexplained nocturnal death syndrome; Sudden Unexplained Death Syndrome; Sudden Unexplained Nocturnal Death Syndrome (SUNDS); Sudden unexpected nocturnal death syndrome. Identifiers: Orphanet 130, MedGen C1142166, MONDO:0015263.

Allele frequency attached by ClinVar (database versions not stated): TOPMed below 0.00001.

Submission:

Labcorp Genetics (formerly Invitae), Labcorp
Classification: Uncertain significance for Brugada syndrome. Last evaluated: 2021-03-01. Review status: criteria provided, single submitter. Criteria: Invitae Variant Classification Sherloc (09022015). Collection method: clinical testing. Allele origin: germline.
Comment: In summary, the available evidence is currently insufficient to determine the role of this variant in disease. Therefore, it has been classified as a Variant of Uncertain Significance. Algorithms developed to predict the effect of missense changes on protein structure and function are either unavailable or do not agree on the potential impact of this missense change (SIFT: "Deleterious"; PolyPhen-2: "Benign"; Align-GVGD: "Class C0"). This variant has not been reported in the literature in individuals with GPD1L-related disease. This variant is not present in population databases (ExAC no frequency). This sequence change replaces glutamine with arginine at codon 98 of the GPD1L protein (p.Gln98Arg). The glutamine residue is highly conserved and there is a small physicochemical difference between glutamine and arginine.